The following is an entry in ClinVar:

NM_003924.4(PHOX2B):c.658C>A (p.Pro220Thr)

Gene: PHOX2B (paired like homeobox 2B; minus strand). Cytogenetic location: 4p13.
Variant type: single nucleotide variant.
Coding change: c.658C>A on transcript NM_003924.4 (MANE Select); coding-DNA position 658, C replaced by A.
Protein change: p.Pro220Thr; replaces proline 220 with threonine.
Molecular consequence: missense variant.
Genome position (GRCh38, 1-based): chr4:41,746,094, G>T on the plus strand (C>A on the coding strand, the complement: PHOX2B is on the minus strand). VCF-style: chr4-41746094-G-T. GRCh37 (hg19) VCF-style: chr4-41748111-G-T.
Other names: short protein forms P220T.
Identifiers: ClinVar variation 2862425 (VCV002862425.4), dbSNP rs1733887255, ClinGen allele CA356737478.
Genomic context (GRCh38, chr4:41,746,094, plus strand): 5'-CGCCCTTGCCGGGTTCGCCTCCCGGGCCCCCGGGCCCCGCCGCCCCCGGAGCTCCAGCCG[G>T]GCTGGGCCCGCCGCCGCCGCCTCCATTCGCCCCGCAGCTGGGGGTGGGGTTGGGATTGGG-3'
Protein context (NP_003915.2, residues 210-230): ANGGGGGGPS[Pro220Thr]AGAPGAAGPG

ClinVar aggregate classification (germline): Uncertain significance. Review status: criteria provided, multiple submitters, no conflicts (2 of 4 stars). 2 submissions from 2 submitters: Uncertain significance (2). Last evaluated 2025-12-19.

Conditions:
Haddad syndrome (OHD). Also called: Ondine-Hirschsprung disease. Identifiers: Orphanet 99803, MedGen C1859049, MONDO:0020493.
Hereditary cancer-predisposing syndrome. Also called: Tumor predisposition; Neoplastic Syndromes, Hereditary; Hereditary Cancer Syndrome; Hereditary neoplastic syndrome. Identifiers: Orphanet 140162, MedGen C0027672, MeSH D009386, MONDO:0015356.

Submissions (2):

Ambry Genetics
Classification: Uncertain significance for Hereditary cancer-predisposing syndrome. Last evaluated: 2025-12-19. Review status: criteria provided, single submitter. Criteria: Ambry Variant Classification Scheme 2023. Collection method: clinical testing. Allele origin: germline.
Comment: The p.P220T variant (also known as c.658C>A), located in coding exon 3 of the PHOX2B gene, results from a C to A substitution at nucleotide position 658. The proline at codon 220 is replaced by threonine, an amino acid with highly similar properties. This amino acid position is conserved. In addition, this alteration is predicted to be tolerated by in silico analysis. Based on the available evidence, the clinical significance of this variant remains unclear.

Labcorp Genetics (formerly Invitae), Labcorp
Classification: Uncertain significance for Haddad syndrome. Last evaluated: 2023-12-07. Review status: criteria provided, single submitter. Criteria: Invitae Variant Classification Sherloc (09022015). Collection method: clinical testing. Allele origin: germline.
Comment: This sequence change replaces proline, which is neutral and non-polar, with threonine, which is neutral and polar, at codon 220 of the PHOX2B protein (p.Pro220Thr). This variant is not present in population databases (gnomAD no frequency). This variant has not been reported in the literature in individuals affected with PHOX2B-related conditions. Advanced modeling of protein sequence and biophysical properties (such as structural, functional, and spatial information, amino acid conservation, physicochemical variation, residue mobility, and thermodynamic stability) performed at Invitae indicates that this missense variant is not expected to disrupt PHOX2B protein function with a negative predictive value of 80%. In summary, the available evidence is currently insufficient to determine the role of this variant in disease. Therefore, it has been classified as a Variant of Uncertain Significance.